The following is an entry in ClinVar:

NM_005618.4(DLL1):c.1370C>G (p.Thr457Ser)

Gene: DLL1 (delta like canonical Notch ligand 1; minus strand). Cytogenetic location: 6q27.
Variant type: single nucleotide variant.
Coding change: c.1370C>G on transcript NM_005618.4 (MANE Select); coding-DNA position 1370, C replaced by G.
Protein change: p.Thr457Ser; replaces threonine 457 with serine.
Molecular consequence: missense variant.
Genome position (GRCh38, 1-based): chr6:170,283,909, G>C on the plus strand (C>G on the coding strand, the complement: DLL1 is on the minus strand). VCF-style: chr6-170283909-G-C. GRCh37 (hg19) VCF-style: chr6-170592997-G-C.
Other names: c.1370C>G (NM_005618.3); short protein forms T457S.
Identifiers: ClinVar variation 3718404 (VCV003718404.3).

ClinVar aggregate classification (germline): Uncertain significance. Review status: criteria provided, multiple submitters, no conflicts (2 of 4 stars). 2 submissions from 2 submitters: Uncertain significance (2). Last evaluated 2025-09-28.

Conditions:
Inborn genetic diseases. Identifiers: MedGen C0950123, MeSH D030342.

gnomAD v4.1: 28 of 1,603,674 alleles (0.0017%); highest among the groups gnomAD compares: Non-Finnish European, 0.0023%; no homozygotes.

Submissions (2):

Ambry Genetics
Classification: Uncertain significance for Inborn genetic diseases. Last evaluated: 2025-09-28. Review status: criteria provided, single submitter. Criteria: Ambry Variant Classification Scheme 2023. Collection method: clinical testing. Allele origin: germline.

Labcorp Genetics (formerly Invitae), Labcorp
Classification: Uncertain significance. Last evaluated: 2025-02-17. Review status: criteria provided, single submitter. Criteria: Invitae Variant Classification Sherloc (09022015). Collection method: clinical testing. Allele origin: germline.
Comment: This sequence change replaces threonine, which is neutral and polar, with serine, which is neutral and polar, at codon 457 of the DLL1 protein (p.Thr457Ser). This variant is present in population databases (rs770545429, gnomAD 0.001%). This variant has not been reported in the literature in individuals affected with DLL1-related conditions. An algorithm developed to predict the effect of missense changes on protein structure and function (PolyPhen-2) suggests that this variant is likely to be tolerated. In summary, the available evidence is currently insufficient to determine the role of this variant in disease. Therefore, it has been classified as a Variant of Uncertain Significance.